The following is an entry in ClinVar:

ClinVar aggregate classification (germline): Uncertain significance. Review status: criteria provided, multiple submitters, no conflicts (2 of 4 stars). 3 submissions from 3 submitters: Uncertain significance (3). Last evaluated 2024-07-15.

Conditions:
Hereditary cancer-predisposing syndrome. Also called: Neoplastic Syndromes, Hereditary; Tumor predisposition; Hereditary Cancer Syndrome; Hereditary neoplastic syndrome. Identifiers: Orphanet 140162, MedGen C0027672, MeSH D009386, MONDO:0015356.
Familial adenomatous polyposis 1 (FAP1). Also called: FAMILIAL ADENOMATOUS POLYPOSIS 1, ATTENUATED; POLYPOSIS, ADENOMATOUS INTESTINAL. Identifiers: MedGen C2713442, MONDO:0021056, OMIM 175100. Disease mechanism: loss of function.

Submissions (3):

Ambry Genetics
Classification: Uncertain significance for Hereditary cancer-predisposing syndrome. Last evaluated: 2024-07-15. Review status: criteria provided, single submitter. Criteria: Ambry Variant Classification Scheme 2023. Collection method: clinical testing. Allele origin: germline.
Comment: The p.I631V variant (also known as c.1891A>G), located in coding exon 14 of the APC gene, results from an A to G substitution at nucleotide position 1891. The isoleucine at codon 631 is replaced by valine, an amino acid with highly similar properties. This amino acid position is conserved. In addition, in silico predictors for this gene do not accurately predict pathogenicity. Since supporting evidence is limited at this time, the clinical significance of this alteration remains unclear.

Labcorp Genetics (formerly Invitae), Labcorp
Classification: Uncertain significance for Familial adenomatous polyposis 1. Last evaluated: 2023-08-17. Review status: criteria provided, single submitter. Criteria: Invitae Variant Classification Sherloc (09022015). Collection method: clinical testing. Allele origin: germline.
Comment: This sequence change replaces isoleucine, which is neutral and non-polar, with valine, which is neutral and non-polar, at codon 631 of the APC protein (p.Ile631Val). This variant is present in population databases (no rsID available, gnomAD 0.003%). This variant has not been reported in the literature in individuals affected with APC-related conditions. ClinVar contains an entry for this variant (Variation ID: 1782074). Advanced modeling of protein sequence and biophysical properties (such as structural, functional, and spatial information, amino acid conservation, physicochemical variation, residue mobility, and thermodynamic stability) performed at Invitae indicates that this missense variant is not expected to disrupt APC protein function. In summary, the available evidence is currently insufficient to determine the role of this variant in disease. Therefore, it has been classified as a Variant of Uncertain Significance.

Baylor Genetics
Classification: Uncertain significance for Familial adenomatous polyposis 1. Last evaluated: 2023-06-15. Review status: criteria provided, single submitter. Criteria: ACMG Guidelines, 2015. Collection method: clinical testing. Allele origin: unknown.

NM_000038.6(APC):c.1891A>G (p.Ile631Val)

Gene: APC (APC regulator of Wnt signaling pathway; plus strand). Cytogenetic location: 5q22.2.
Variant type: single nucleotide variant.
Coding change: c.1891A>G on transcript NM_000038.6 (MANE Select); coding-DNA position 1891, A replaced by G.
Protein change: p.Ile631Val; replaces isoleucine 631 with valine.
Molecular consequence: missense variant.
Genome position (GRCh38, 1-based): chr5:112,835,098, A>G. VCF-style: chr5-112835098-A-G. GRCh37 (hg19) VCF-style: chr5-112170795-A-G.
Other names: c.1945A>G, p.Ile649Val (NM_001354896.2, NM_001407447.1, NM_001407448.1 and 1 more transcripts); c.1921A>G, p.Ile641Val (NM_001354897.2); c.1816A>G, p.Ile606Val (NM_001354898.2); c.1807A>G, p.Ile603Val (NM_001354899.2); c.1768A>G, p.Ile590Val (NM_001354900.2); c.1714A>G, p.Ile572Val (NM_001354901.2, NM_001407453.1); c.1618A>G, p.Ile540Val (NM_001354902.2); c.1588A>G, p.Ile530Val (NM_001354903.2, NM_001407458.1, NM_001407459.1 and 1 more transcripts); and 11 more; short protein forms I603V, I348V, I502V, I540V, I572V, I590V, I631V, I641V.
Identifiers: ClinVar variation 1782074 (VCV001782074.9), dbSNP rs1203723798, ClinGen allele CA16025453.